The following is an entry in ClinVar:

ClinVar aggregate classification (germline): Uncertain significance. Review status: criteria provided, multiple submitters, no conflicts (2 of 4 stars). 2 submissions from 2 submitters: Uncertain significance (2). Last evaluated 2024-03-18.

Conditions:
Congenital disorder of glycosylation type 1E (CDG1E). Also called: CONGENITAL DISORDER OF GLYCOSYLATION, TYPE Ie; CDG Ie. Identifiers: Orphanet 79322, MedGen C1837396, MONDO:0012123, OMIM 608799.

Allele frequency attached by ClinVar (database versions not stated): gnomAD 0.00001; TOPMed below 0.00001.
gnomAD v4.1: 1 of 1,612,326 alleles (0.000062%); highest among the groups gnomAD compares: African/African-American, 0.0013%; no homozygotes.

Submissions (2):

Fulgent Genetics
Classification: Uncertain significance for Congenital disorder of glycosylation type 1E. Last evaluated: 2024-03-18. Review status: criteria provided, single submitter. Criteria: ACMG Guidelines, 2015. Collection method: clinical testing. Allele origin: germline.

Labcorp Genetics (formerly Invitae), Labcorp
Classification: Uncertain significance for Congenital disorder of glycosylation type 1E. Last evaluated: 2023-11-20. Review status: criteria provided, single submitter. Criteria: Invitae Variant Classification Sherloc (09022015). Collection method: clinical testing. Allele origin: germline.
Comment: This sequence change replaces isoleucine, which is neutral and non-polar, with threonine, which is neutral and polar, at codon 61 of the DPM1 protein (p.Ile61Thr). This variant is not present in population databases (gnomAD no frequency). This variant has not been reported in the literature in individuals affected with DPM1-related conditions. An algorithm developed to predict the effect of missense changes on protein structure and function (PolyPhen-2) suggests that this variant is likely to be disruptive. In summary, the available evidence is currently insufficient to determine the role of this variant in disease. Therefore, it has been classified as a Variant of Uncertain Significance.

NM_003859.3(DPM1):c.182T>C (p.Ile61Thr)

Gene: DPM1 (dolichyl-phosphate mannosyltransferase subunit 1, catalytic; minus strand). Cytogenetic location: 20q13.13.
Variant type: single nucleotide variant.
Coding change: c.182T>C on transcript NM_003859.3 (MANE Select); coding-DNA position 182, T replaced by C.
Protein change: p.Ile61Thr; replaces isoleucine 61 with threonine.
Molecular consequence: missense variant. On other transcripts: non-coding transcript variant (1).
Genome position (GRCh38, 1-based): chr20:50,955,265, A>G on the plus strand (T>C on the coding strand, the complement: DPM1 is on the minus strand). VCF-style: chr20-50955265-A-G. GRCh37 (hg19) VCF-style: chr20-49571802-A-G.
Other names: c.182T>C, p.Ile61Thr (NM_001317034.1, NM_001317035.1, NM_001317036.1); short protein forms I61T.
Identifiers: ClinVar variation 3005112 (VCV003005112.4), dbSNP rs1404390700, ClinGen allele CA408978750.